The following is an entry in ClinVar:

NM_003105.6(SORL1):c.1349G>A (p.Trp450Ter)

Gene: SORL1 (sortilin related receptor 1; plus strand). Cytogenetic location: 11q24.1.
Variant type: single nucleotide variant.
Coding change: c.1349G>A on transcript NM_003105.6 (MANE Select); coding-DNA position 1349, G replaced by A.
Protein change: p.Trp450Ter; replaces tryptophan 450 with a stop codon.
Molecular consequence: nonsense.
Genome position (GRCh38, 1-based): chr11:121,520,794, G>A. VCF-style: chr11-121520794-G-A. GRCh37 (hg19) VCF-style: chr11-121391503-G-A.
Other names: short protein forms W450*.
Identifiers: ClinVar variation 3724199 (VCV003724199.2).

ClinVar aggregate classification (germline): Pathogenic (1 of 4 stars; one submission).

Submission:

Labcorp Genetics (formerly Invitae), Labcorp
Classification: Pathogenic. Last evaluated: 2024-10-30. Review status: criteria provided, single submitter. Criteria: Invitae Variant Classification Sherloc (09022015). Collection method: clinical testing. Allele origin: germline.
Comment: This sequence change creates a premature translational stop signal (p.Trp450*) in the SORL1 gene. It is expected to result in an absent or disrupted protein product. Loss-of-function variants in SORL1 are known to be pathogenic (PMID: 26303663, 27026413). This variant is not present in population databases (gnomAD no frequency). This variant has not been reported in the literature in individuals affected with SORL1-related conditions. For these reasons, this variant has been classified as Pathogenic.

Literature cited by the submitters: PubMed 26303663; PubMed 27026413.